The following is an entry in ClinVar:

ClinVar aggregate classification (germline): Uncertain significance (1 of 4 stars; one submission).

Conditions:
Succinate-semialdehyde dehydrogenase deficiency (SSADHD). Also called: Succinic Semialdehyde Dehydrogenase Deficiency; SSADH DEFICIENCY; GABA METABOLIC DEFECT; 4-HYDROXYBUTYRIC ACIDURIA. Identifiers: Orphanet 22, MedGen C0268631, MONDO:0010083, OMIM 271980.

Submission:

Labcorp Genetics (formerly Invitae), Labcorp
Classification: Uncertain significance for Succinate-semialdehyde dehydrogenase deficiency. Last evaluated: 2020-10-03. Review status: criteria provided, single submitter. Criteria: Invitae Variant Classification Sherloc (09022015). Collection method: clinical testing. Allele origin: germline.
Comment: This variant has not been reported in the literature in individuals with ALDH5A1-related conditions. This sequence change replaces cysteine with arginine at codon 531 of the ALDH5A1 protein (p.Cys531Arg). The cysteine residue is highly conserved and there is a large physicochemical difference between cysteine and arginine. This variant is not present in population databases (ExAC no frequency). Advanced modeling of protein sequence and biophysical properties (such as structural, functional, and spatial information, amino acid conservation, physicochemical variation, residue mobility, and thermodynamic stability) performed at Invitae indicates that this missense variant is expected to disrupt ALDH5A1 protein function. In summary, the available evidence is currently insufficient to determine the role of this variant in disease. Therefore, it has been classified as a Variant of Uncertain Significance.

NM_001080.3(ALDH5A1):c.1591T>C (p.Cys531Arg)

Gene: ALDH5A1 (aldehyde dehydrogenase 5 family member A1; plus strand). Cytogenetic location: 6p22.3.
Variant type: single nucleotide variant.
Coding change: c.1591T>C on transcript NM_001080.3 (MANE Select); coding-DNA position 1591, T replaced by C.
Protein change: p.Cys531Arg; replaces cysteine 531 with arginine.
Molecular consequence: missense variant.
Genome position (GRCh38, 1-based): chr6:24,533,695, T>C. VCF-style: chr6-24533695-T-C. GRCh37 (hg19) VCF-style: chr6-24533923-T-C.
Other names: c.1447T>C, p.Cys483Arg (NM_001368954.1); c.1630T>C, p.Cys544Arg (NM_170740.1); short protein forms C483R, C531R, C544R.
Identifiers: ClinVar variation 1054197 (VCV001054197.8), dbSNP rs2127391249, ClinGen allele CA362967965.